The following is an entry in ClinVar:

ClinVar aggregate classification (germline): Uncertain significance (1 of 4 stars; one submission).

Conditions:
Autosomal recessive distal spinal muscular atrophy 1. Also called: SEVERE INFANTILE AXONAL NEUROPATHY WITH RESPIRATORY FAILURE; SPINAL MUSCULAR ATROPHY, DIAPHRAGMATIC; Spinal muscular atrophy with respiratory distress 1; HMN VI; NEURONOPATHY, SEVERE INFANTILE AXONAL, WITH RESPIRATORY FAILURE; NEURONOPATHY, DISTAL HEREDITARY MOTOR, HARDING TYPE VI. Identifiers: Orphanet 98920, MedGen C1858517, MONDO:0011436, OMIM 604320.
Charcot-Marie-Tooth disease axonal type 2S. Also called: CHARCOT-MARIE-TOOTH DISEASE, AXONAL, AUTOSOMAL RECESSIVE, TYPE 2S; CHARCOT-MARIE-TOOTH NEUROPATHY, TYPE 2S. Identifiers: Orphanet 443073, MedGen C4015349, MONDO:0014511, OMIM 616155.

Allele frequency attached by ClinVar (database versions not stated): gnomAD exomes below 0.00001; ExAC 0.00001.
gnomAD v4.1: 1 of 1,614,120 alleles (0.000062%); highest among the groups gnomAD compares: Non-Finnish European, 0.000085%; no homozygotes.

Submission:

Labcorp Genetics (formerly Invitae), Labcorp
Classification: Uncertain significance for Autosomal recessive distal spinal muscular atrophy 1; Charcot-Marie-Tooth disease axonal type 2S. Last evaluated: 2019-03-29. Review status: criteria provided, single submitter. Criteria: Invitae Variant Classification Sherloc (09022015). Collection method: clinical testing. Allele origin: germline.
Comment: This sequence change replaces lysine with arginine at codon 298 of the IGHMBP2 protein (p.Lys298Arg). The lysine residue is weakly conserved and there is a small physicochemical difference between lysine and arginine. This variant is present in population databases (rs763867470, ExAC no frequency). This variant has not been reported in the literature in individuals with IGHMBP2-related conditions. Algorithms developed to predict the effect of missense changes on protein structure and function output the following: SIFT: "Tolerated"; PolyPhen-2: "Benign"; Align-GVGD: "Class C0". The arginine amino acid residue is found in multiple mammalian species, suggesting that this missense change does not adversely affect protein function. These predictions have not been confirmed by published functional studies and their clinical significance is uncertain. In summary, the available evidence is currently insufficient to determine the role of this variant in disease. Therefore, it has been classified as a Variant of Uncertain Significance.

NM_002180.3(IGHMBP2):c.893A>G (p.Lys298Arg)

Gene: IGHMBP2 (immunoglobulin mu DNA binding protein 2; plus strand). Cytogenetic location: 11q13.3.
Variant type: single nucleotide variant.
Coding change: c.893A>G on transcript NM_002180.3 (MANE Select); coding-DNA position 893, A replaced by G.
Protein change: p.Lys298Arg; replaces lysine 298 with arginine.
Molecular consequence: missense variant.
Genome position (GRCh38, 1-based): chr11:68,915,004, A>G. VCF-style: chr11-68915004-A-G. GRCh37 (hg19) VCF-style: chr11-68682472-A-G.
Other names: short protein forms K298R.
Identifiers: ClinVar variation 843983 (VCV000843983.10), dbSNP rs763867470, ClinGen allele CA6153427.